The following is an entry in ClinVar:

NM_000275.3(OCA2):c.1484A>G (p.Asn495Ser)

Gene: OCA2 (OCA2 melanosomal transmembrane protein; minus strand). Cytogenetic location: 15q13.1.
Variant type: single nucleotide variant.
Coding change: c.1484A>G on transcript NM_000275.3 (MANE Select); coding-DNA position 1484, A replaced by G.
Protein change: p.Asn495Ser; replaces asparagine 495 with serine.
Molecular consequence: missense variant.
Genome position (GRCh38, 1-based): chr15:27,983,364, T>C on the plus strand (A>G on the coding strand, the complement: OCA2 is on the minus strand). VCF-style: chr15-27983364-T-C. GRCh37 (hg19) VCF-style: chr15-28228510-T-C.
Other names: c.1412A>G, p.Asn471Ser (NM_001300984.2); c.1484A>G (NM_000275.2); short protein forms N471S, N495S.
Identifiers: ClinVar variation 1388557 (VCV001388557.6), dbSNP rs531606889, ClinGen allele CA391359240.

ClinVar aggregate classification (germline): Uncertain significance. Review status: criteria provided, multiple submitters, no conflicts (2 of 4 stars). 2 submissions from 2 submitters: Uncertain significance (2). Last evaluated 2024-04-29.

Conditions:
Inborn genetic diseases. Identifiers: MedGen C0950123, MeSH D030342.

Allele frequency attached by ClinVar (database versions not stated): gnomAD exomes below 0.00001; gnomAD 0.00001; TOPMed 0.00001.
gnomAD v4.1: 3 of 1,614,000 alleles (0.00019%); highest among the groups gnomAD compares: Non-Finnish European, 0.00017%; no homozygotes.

Submissions (2):

Ambry Genetics
Classification: Uncertain significance for Inborn genetic diseases. Last evaluated: 2024-04-29. Review status: criteria provided, single submitter. Criteria: Ambry Variant Classification Scheme 2023. Collection method: clinical testing. Allele origin: germline.

Labcorp Genetics (formerly Invitae), Labcorp
Classification: Uncertain significance. Last evaluated: 2022-07-26. Review status: criteria provided, single submitter. Criteria: Invitae Variant Classification Sherloc (09022015). Collection method: clinical testing. Allele origin: germline.
Comment: This sequence change replaces asparagine, which is neutral and polar, with serine, which is neutral and polar, at codon 495 of the OCA2 protein (p.Asn495Ser). This variant is not present in population databases (gnomAD no frequency). This variant has not been reported in the literature in individuals affected with OCA2-related conditions. ClinVar contains an entry for this variant (Variation ID: 1388557). Algorithms developed to predict the effect of missense changes on protein structure and function are either unavailable or do not agree on the potential impact of this missense change (SIFT: "Deleterious"; PolyPhen-2: "Possibly Damaging"; Align-GVGD: "Class C0"). Algorithms developed to predict the effect of sequence changes on RNA splicing suggest that this variant may create or strengthen a splice site. In summary, the available evidence is currently insufficient to determine the role of this variant in disease. Therefore, it has been classified as a Variant of Uncertain Significance.